The following is an entry in ClinVar:

ClinVar aggregate classification (germline): Pathogenic (1 of 4 stars; one submission).

Conditions:
Granulomatous disease, chronic, autosomal recessive, cytochrome b-positive, type 2. Also called: CGD, AUTOSOMAL RECESSIVE CYTOCHROME b-POSITIVE, TYPE II; GRANULOMATOUS DISEASE, CHRONIC, DUE TO NCF2 DEFICIENCY; GRANULOMATOUS DISEASE, CHRONIC, AUTOSOMAL RECESSIVE, 2; Chronic granulomatous disease due to deficiency of NCF-2; Chronic Granulomatous Disease, Autosomal Recessive, Cytochrome b-Positive, Type II. Identifiers: Orphanet 379, MedGen C1856245, MONDO:0009310, OMIM 233710.

Submission:

Labcorp Genetics (formerly Invitae), Labcorp
Classification: Pathogenic for Granulomatous disease, chronic, autosomal recessive, cytochrome b-positive, type 2. Last evaluated: 2023-10-28. Review status: criteria provided, single submitter. Criteria: Invitae Variant Classification Sherloc (09022015). Collection method: clinical testing. Allele origin: germline.
Comment: This sequence change creates a premature translational stop signal (p.Gln115*) in the NCF2 gene. It is expected to result in an absent or disrupted protein product. Loss-of-function variants in NCF2 are known to be pathogenic (PMID: 10498624, 20167518). This variant is not present in population databases (gnomAD no frequency). This variant has not been reported in the literature in individuals affected with NCF2-related conditions. For these reasons, this variant has been classified as Pathogenic.

Literature cited by the submitters: PubMed 10498624; PubMed 20167518.

NM_000433.4(NCF2):c.343C>T (p.Gln115Ter)

Gene: NCF2 (neutrophil cytosolic factor 2; minus strand). Cytogenetic location: 1q25.3.
Variant type: single nucleotide variant.
Coding change: c.343C>T on transcript NM_000433.4 (MANE Select); coding-DNA position 343, C replaced by T.
Protein change: p.Gln115Ter; replaces glutamine 115 with a stop codon.
Molecular consequence: nonsense.
Genome position (GRCh38, 1-based): chr1:183,577,622, G>A on the plus strand (C>T on the coding strand, the complement: NCF2 is on the minus strand). VCF-style: chr1-183577622-G-A. GRCh37 (hg19) VCF-style: chr1-183546757-G-A.
Other names: c.343C>T, p.Gln115Ter (NM_001127651.3, NM_001190789.2, NM_001190794.2 and 1 more transcripts); short protein forms Q115*.
Identifiers: ClinVar variation 2791776 (VCV002791776.3), dbSNP rs2527976811, ClinGen allele CA343678915.